The following is an entry in ClinVar:

ClinVar aggregate classification (germline): Likely pathogenic (3 of 4 stars; one submission).

Conditions:
Bernard Soulier syndrome (BSS). Also called: BLEEDING DISORDER, PLATELET-TYPE, 1; PLATELET GLYCOPROTEIN Ib DEFICIENCY; VON WILLEBRAND FACTOR RECEPTOR DEFICIENCY; Platelet Glycoprotein 1b, Deficiency of; Giant platelet syndrome; Hemorrhagiparous thrombocytic dystrophy. Identifiers: Orphanet 274, MedGen C0005129, MeSH D001606, MONDO:0009276, OMIM 231200.

Submission:

ClinGen Platelet Disorders Variant Curation Expert Panel, ClinGen
Classification: Likely pathogenic for Bernard Soulier syndrome. Last evaluated: 2026-02-05. Review status: reviewed by expert panel. Criteria: ClinGen Platelet ACMG Specifications GP1BA V1.0.0. Collection method: curation. Allele origin: germline. Inheritance: Autosomal recessive inheritance.
Comment: The c.1077del (p.Trp359Ter) variant in GP1BA is a nonsense variant that may cause loss of function of the protein, however it is predicted to escape nonsense mediated decay and remove >10% of the protein (PVS1_Strong). At least one patient (Patient 1 in PMID: 16788318) with this variant had aggregation absent for ristocetin, however, aggregation in response to other agonists was not mentioned. The patient had less than 10% expression of GP1BB measured by flow cytometry, which is highly specific for Bernard-Soulier syndrome. Additionally, the patient had excessive mucocutaneous bleeding and macrothrombocytopenia which are consistent with Bernard-Soulier syndrome (PP4). The largest MAF allele frequency in gnomAD v4.1.0 is 0.0000008476 (based on 1/1179860 alleles) in the European (non-Finnish) population, which is lower than the ClinGen PD VCEP threshold (<0.0001114; PM2_Supporting). In summary, this variant meets the criteria to be classified as Likely Pathogenic for autosomal recessive Bernard-Soulier syndrome based on the ACMG/AMP criteria applied, as specified by the ClinGen PD VCEP: PVS1_Strong, PP4, PM3_Supporting and PM2_Supporting (VCEP specifications version 1.1).

NM_000173.7(GP1BA):c.1077del (p.Arg358_Trp359insTer)

Gene: GP1BA (glycoprotein Ib platelet subunit alpha; plus strand). Cytogenetic location: 17p13.2.
Variant type: Deletion.
Coding change: c.1077del on transcript NM_000173.7 (MANE Select); coding-DNA position 1077, one base deleted (G; older notation c.1077delG).
Protein change: p.Arg358_Trp359insTer.
Molecular consequence: nonsense.
Genome position (GRCh38, 1-based): chr17:4,933,681, G deleted; the last of 2 consecutive G bases (chr17:4,933,680-4,933,681); deleting either gives the same sequence. VCF-style (leftmost placement, unchanged base first): chr17-4933679-TG-T. GRCh37 (hg19) VCF-style: chr17-4836974-TG-T.
Other names: NM_000173.7:c.1077del.
Identifiers: ClinVar variation 4849257 (VCV004849257.1).